The following is an entry in ClinVar:

ClinVar aggregate classification (germline): Uncertain significance (1 of 4 stars; one submission).

Submission:

Labcorp Genetics (formerly Invitae), Labcorp
Classification: Uncertain significance. Last evaluated: 2022-08-09. Review status: criteria provided, single submitter. Criteria: Invitae Variant Classification Sherloc (09022015). Collection method: clinical testing. Allele origin: germline.
Comment: In summary, the available evidence is currently insufficient to determine the role of this variant in disease. Therefore, it has been classified as a Variant of Uncertain Significance. Algorithms developed to predict the effect of missense changes on protein structure and function are either unavailable or do not agree on the potential impact of this missense change (SIFT: "Tolerated"; PolyPhen-2: "Probably Damaging"; Align-GVGD: "Class C0"). This variant has not been reported in the literature in individuals affected with RTN4IP1-related conditions. This variant is not present in population databases (gnomAD no frequency). This sequence change replaces histidine, which is basic and polar, with tyrosine, which is neutral and polar, at codon 331 of the RTN4IP1 protein (p.His331Tyr).

NM_032730.5(RTN4IP1):c.991C>T (p.His331Tyr)

Gene: RTN4IP1 (reticulon 4 interacting protein 1; minus strand). Cytogenetic location: 6q21.
Variant type: single nucleotide variant.
Coding change: c.991C>T on transcript NM_032730.5 (MANE Select); coding-DNA position 991, C replaced by T.
Protein change: p.His331Tyr; replaces histidine 331 with tyrosine.
Molecular consequence: missense variant.
Genome position (GRCh38, 1-based): chr6:106,583,420, G>A on the plus strand (C>T on the coding strand, the complement: RTN4IP1 is on the minus strand). VCF-style: chr6-106583420-G-A. GRCh37 (hg19) VCF-style: chr6-107031295-G-A.
Other names: c.691C>T, p.His231Tyr (NM_001318746.1); short protein forms H231Y, H331Y.
Identifiers: ClinVar variation 1715912 (VCV001715912.5), dbSNP rs2482300966, ClinGen allele CA365150961.
Genomic context (GRCh38, chr6:106,583,420, plus strand): 5'-CTAAACATGGGCCACTGGCCATGAAAAATGCCCAGCGATAATGGACTCCTTTCCAGAAAT[G>A]CTAAAAAGAAGAAAACAAAACATGTCAAATACAGAAAAACATAAAATCTGACTAAATGCA-3'
Protein context (NP_116119.2, residues 321-341): GVTVGSKALK[His331Tyr]FWKGVHYRWA